The following is an entry in ClinVar:

NM_003978.5(PSTPIP1):c.575G>A (p.Arg192Lys)

Gene: PSTPIP1 (proline-serine-threonine phosphatase interacting protein 1; plus strand). Cytogenetic location: 15q24.3.
Variant type: single nucleotide variant.
Coding change: c.575G>A on transcript NM_003978.5 (MANE Select); coding-DNA position 575, G replaced by A.
Protein change: p.Arg192Lys; replaces arginine 192 with lysine.
Molecular consequence: missense variant.
Genome position (GRCh38, 1-based): chr15:77,030,514, G>A. VCF-style: chr15-77030514-G-A. GRCh37 (hg19) VCF-style: chr15-77322855-G-A.
Other names: c.575G>A, p.Arg192Lys (NM_001321135.2); c.548G>A, p.Arg183Lys (NM_001321136.2); c.770G>A, p.Arg257Lys (NM_001321137.1); short protein forms R257K, R183K, R192K.
Identifiers: ClinVar variation 886143 (VCV000886143.11), dbSNP rs760587319, ClinGen allele CA7675888.

ClinVar aggregate classification (germline): Conflicting classifications of pathogenicity. Review status: criteria provided, conflicting classifications (1 of 4 stars). 3 submissions from 3 submitters: Uncertain significance (1); Likely benign (2). Last evaluated 2026-08-01.

Conditions:
Pyogenic arthritis-pyoderma gangrenosum-acne syndrome (PAPA). Also called: FAMILIAL RECURRENT ARTHRITIS; PAPA SYNDROME. Identifiers: Orphanet 69126, MedGen C1858361, MONDO:0011462, OMIM 604416.

Allele frequency attached by ClinVar (database versions not stated): gnomAD 0.00001; gnomAD exomes 0.00002; ExAC 0.00003; TOPMed 0.00003.
gnomAD v4.1: 26 of 1,612,462 alleles (0.0016%); highest among the groups gnomAD compares: Middle Eastern, 0.016%; no homozygotes.

Submissions (3):

CeGaT Center for Human Genetics Tuebingen
Classification: Likely benign. Last evaluated: 2026-08-01. Review status: criteria provided, single submitter. Criteria: CeGaT Center For Human Genetics Tuebingen Variant Classification Criteria Version 2. Collection method: clinical testing. Allele origin: germline. Affected: yes. Observed: 1 variant allele.
Comment: PSTPIP1: BP4

Labcorp Genetics (formerly Invitae), Labcorp
Classification: Uncertain significance for Pyogenic arthritis-pyoderma gangrenosum-acne syndrome. Last evaluated: 2025-10-15. Review status: criteria provided, single submitter. Criteria: Invitae Variant Classification Sherloc (09022015). Collection method: clinical testing. Allele origin: germline.
Comment: This sequence change replaces arginine, which is basic and polar, with lysine, which is basic and polar, at codon 192 of the PSTPIP1 protein (p.Arg192Lys). This variant is present in population databases (rs760587319, gnomAD 0.005%). This variant has not been reported in the literature in individuals affected with PSTPIP1-related conditions. ClinVar contains an entry for this variant (Variation ID: 886143). Invitae Evidence Modeling of protein sequence and biophysical properties (such as structural, functional, and spatial information, amino acid conservation, physicochemical variation, residue mobility, and thermodynamic stability) indicates that this missense variant is not expected to disrupt PSTPIP1 protein function with a negative predictive value of 80%. In summary, the available evidence is currently insufficient to determine the role of this variant in disease. Therefore, it has been classified as a Variant of Uncertain Significance.

Illumina Laboratory Services, Illumina
Classification: Likely benign for Pyogenic arthritis-pyoderma gangrenosum-acne syndrome. Last evaluated: 2018-01-12. Review status: criteria provided, single submitter. Criteria: ICSL Variant Classification Criteria 13 December 2019. Collection method: clinical testing. Allele origin: germline.
Comment: This variant was observed in the ICSL laboratory as part of a predisposition screen in an ostensibly healthy population. It had not been previously curated by ICSL or reported in the Human Gene Mutation Database (HGMD: prior to June 1st, 2018), and was therefore a candidate for classification through an automated scoring system. Utilizing variant allele frequency, disease prevalence and penetrance estimates, and inheritance mode, an automated score was calculated to assess if this variant is too frequent to cause the disease. Based on the score and internal cut-off values, a variant classified as likely benign is not then subjected to further curation. The score for this variant resulted in a classification of likely benign for this disease.